The following is an entry in ClinVar:

NM_170606.3(KMT2C):c.8040G>A (p.Gln2680=)

Gene: KMT2C (lysine methyltransferase 2C; minus strand). Cytogenetic location: 7q36.1.
Variant type: single nucleotide variant.
Coding change: c.8040G>A on transcript NM_170606.3 (MANE Select); coding-DNA position 8040, G replaced by A.
Protein change: p.Gln2680=; no amino-acid change (glutamine 2680 retained).
Molecular consequence: synonymous variant.
Genome position (GRCh38, 1-based): chr7:152,177,413, C>T on the plus strand (G>A on the coding strand, the complement: KMT2C is on the minus strand). VCF-style: chr7-152177413-C-T. GRCh37 (hg19) VCF-style: chr7-151874498-C-T.
Other names: c.8040G>A (NM_170606.2).
Identifiers: ClinVar variation 1169600 (VCV001169600.12), dbSNP rs10252263, ClinGen allele CA4579723.

ClinVar aggregate classification (germline): Benign. Review status: criteria provided, multiple submitters, no conflicts (2 of 4 stars). 3 submissions from 3 submitters: Benign (2). 1 of the submissions does not count toward it. Last evaluated 2026-02-01.

Conditions:
KMT2C-related disorder. Also called: KMT2C-related condition; KMT2C-related disorders.

Allele frequency attached by ClinVar (database versions not stated): ExAC 0.07053; 1000 Genomes Project 0.15815; 1000 Genomes Project 30x 0.16037; gnomAD exomes 0.03599 and 0.06841; ESP Exome Variant Server 0.11648; gnomAD 0.11361 and 0.11524; TOPMed 0.12501.
gnomAD v4.1: 70,626 of 1,614,006 alleles (4.4%); highest among the groups gnomAD compares: African/African-American, 32%; 5,593 homozygotes.

Submissions (3):

Labcorp Genetics (formerly Invitae), Labcorp
Classification: Benign. Last evaluated: 2026-02-01. Review status: criteria provided, single submitter. Criteria: Invitae Variant Classification Sherloc (09022015). Collection method: clinical testing. Allele origin: germline.

Breakthrough Genomics
Classification: Benign. Review status: criteria provided, single submitter. Criteria: ACMG Guidelines, 2015. Collection method: not provided. Allele origin: germline. Inheritance: Autosomal dominant inheritance. Affected: yes.

PreventionGenetics, part of Exact Sciences
Classification: Benign for KMT2C-related condition. Last evaluated: 2019-05-22. Review status: no assertion criteria provided. Collection method: clinical testing. Allele origin: germline. Not counted in ClinVar's aggregate classification.
Comment: This variant is classified as benign based on ACMG/AMP sequence variant interpretation guidelines (Richards et al. 2015 PMID: 25741868, with internal and published modifications).